The following is an entry in ClinVar:

NM_001972.4(ELANE):c.224+4A>T

Gene: ELANE (elastase, neutrophil expressed; plus strand). Cytogenetic location: 19p13.3.
Variant type: single nucleotide variant.
Coding change: c.224+4A>T on transcript NM_001972.4 (MANE Select); 4 bases into the intron after coding-DNA position 224, A replaced by T.
Molecular consequence: intron variant.
Genome position (GRCh38, 1-based): chr19:853,036, A>T. VCF-style: chr19-853036-A-T. GRCh37 (hg19) VCF-style: chr19-853036-A-T.
Identifiers: ClinVar variation 2949609 (VCV002949609.3), dbSNP rs2512164673, ClinGen allele CA2587804841.

ClinVar aggregate classification (germline): Uncertain significance (1 of 4 stars; one submission).

Conditions:
Neutropenia, severe congenital, 1, autosomal dominant. Identifiers: MedGen C1859966, MONDO:0042490, OMIM 202700.
Cyclical neutropenia. Also called: Cyclic hematopoiesis; Cyclic Neutropenia. Identifiers: Orphanet 2686, MedGen C0221023, MONDO:0008090, OMIM 162800, HP:0040289. Disease mechanism: loss of function.

Submission:

Labcorp Genetics (formerly Invitae), Labcorp
Classification: Uncertain significance for Neutropenia, severe congenital, 1, autosomal dominant; Cyclical neutropenia. Last evaluated: 2024-01-11. Review status: criteria provided, single submitter. Criteria: Invitae Variant Classification Sherloc (09022015). Collection method: clinical testing. Allele origin: germline.
Comment: This sequence change falls in intron 2 of the ELANE gene. It does not directly change the encoded amino acid sequence of the ELANE protein. It affects a nucleotide within the consensus splice site. This variant is not present in population databases (gnomAD no frequency). This variant has not been reported in the literature in individuals affected with ELANE-related conditions. Variants that disrupt the consensus splice site are a relatively common cause of aberrant splicing (PMID: 17576681, 9536098). Algorithms developed to predict the effect of sequence changes on RNA splicing suggest that this variant may disrupt the consensus splice site. In summary, the available evidence is currently insufficient to determine the role of this variant in disease. Therefore, it has been classified as a Variant of Uncertain Significance.

Literature cited by the submitters: PubMed 17576681; PubMed 9536098.